The following is an entry in ClinVar:

ClinVar aggregate classification (germline): Uncertain significance (1 of 4 stars; one submission).

Allele frequency attached by ClinVar (database versions not stated): gnomAD exomes 0.00001.
gnomAD v4.1: 4 of 1,610,726 alleles (0.00025%); highest among the groups gnomAD compares: Non-Finnish European, 0.00034%; no homozygotes.

Submission:

Labcorp Genetics (formerly Invitae), Labcorp
Classification: Uncertain significance. Last evaluated: 2022-10-17. Review status: criteria provided, single submitter. Criteria: Invitae Variant Classification Sherloc (09022015). Collection method: clinical testing. Allele origin: germline.
Comment: This sequence change replaces cysteine, which is neutral and slightly polar, with arginine, which is basic and polar, at codon 261 of the TSFM protein (p.Cys261Arg). This variant is not present in population databases (gnomAD no frequency). This variant has not been reported in the literature in individuals affected with TSFM-related conditions. ClinVar contains an entry for this variant (Variation ID: 1515246). Advanced modeling of protein sequence and biophysical properties (such as structural, functional, and spatial information, amino acid conservation, physicochemical variation, residue mobility, and thermodynamic stability) has been performed at Invitae for this missense variant, however the output from this modeling did not meet the statistical confidence thresholds required to predict the impact of this variant on TSFM protein function. In summary, the available evidence is currently insufficient to determine the role of this variant in disease. Therefore, it has been classified as a Variant of Uncertain Significance.

NM_005726.6(TSFM):c.718T>C (p.Cys240Arg)

Gene: TSFM (Ts translation elongation factor, mitochondrial; plus strand). Cytogenetic location: 12q14.1.
Variant type: single nucleotide variant.
Coding change: c.718T>C on transcript NM_005726.6 (MANE Select); coding-DNA position 718, T replaced by C.
Protein change: p.Cys240Arg; replaces cysteine 240 with arginine.
Molecular consequence: missense variant. On other transcripts: 3 prime UTR variant (1), intron variant (1).
Genome position (GRCh38, 1-based): chr12:57,796,323, T>C. VCF-style: chr12-57796323-T-C. GRCh37 (hg19) VCF-style: chr12-58190106-T-C.
Other names: c.*126T>C (NM_001172695.2); c.781T>C, p.Cys261Arg (NM_001172696.2); c.571+3250T>C (NM_001172697.2); short protein forms C240R, C261R.
Identifiers: ClinVar variation 1515246 (VCV001515246.5), dbSNP rs2140428986, ClinGen allele CA385530719.
Genomic context (GRCh38, chr12:57,796,323, plus strand): 5'-GCAATGCAGAGTCCCTCACTTCACAAGCTGGTGCTGGGGAAGTATGGGGCCCTGGTCATC[T>C]GTGAGACGTCTGAACAGAAAACAAACCTTGAAGACGTTGGCCGCCGCCTTGGGCAGCATG-3'
Protein context (NP_005717.3, residues 230-250): VLGKYGALVI[Cys240Arg]ETSEQKTNLE